The following is an entry in ClinVar:

NM_017780.4(CHD7):c.5111A>T (p.Gln1704Leu)

Gene: CHD7 (chromodomain helicase DNA binding protein 7; plus strand). Cytogenetic location: 8q12.2.
Variant type: single nucleotide variant.
Coding change: c.5111A>T on transcript NM_017780.4 (MANE Select); coding-DNA position 5111, A replaced by T.
Protein change: p.Gln1704Leu; replaces glutamine 1704 with leucine.
Molecular consequence: missense variant. On other transcripts: intron variant (1).
Genome position (GRCh38, 1-based): chr8:60,845,310, A>T. VCF-style: chr8-60845310-A-T. GRCh37 (hg19) VCF-style: chr8-61757869-A-T.
Other names: c.1717-16919A>T (NM_001316690.1); short protein forms Q1704L.
Identifiers: ClinVar variation 3719730 (VCV003719730.4).

ClinVar aggregate classification (germline): Uncertain significance. Review status: criteria provided, multiple submitters, no conflicts (2 of 4 stars). 2 submissions from 2 submitters: Uncertain significance (2). Last evaluated 2026-05-01.

Conditions:
CHARGE syndrome (CHARGE). Also called: Hittner Hirsch Kreh syndrome; CHARGE ASSOCIATION--COLOBOMA, HEART ANOMALY, CHOANAL ATRESIA, RETARDATION, GENITAL AND EAR ANOMALIES; Coloboma, heart anomaly, choanal atresia, retardation, genital and ear anomalies; CHARGE association; Hall-Hittner syndrome. Identifiers: Orphanet 138, MedGen C0265354, MONDO:0008965.

Submissions (2):

CeGaT Center for Human Genetics Tuebingen
Classification: Uncertain significance. Last evaluated: 2026-05-01. Review status: criteria provided, single submitter. Criteria: CeGaT Center For Human Genetics Tuebingen Variant Classification Criteria Version 2. Collection method: clinical testing. Allele origin: germline. Affected: yes. Observed: 1 variant allele.
Comment: CHD7: PM2, BP4

Labcorp Genetics (formerly Invitae), Labcorp
Classification: Uncertain significance for CHARGE syndrome. Last evaluated: 2025-01-18. Review status: criteria provided, single submitter. Criteria: Invitae Variant Classification Sherloc (09022015). Collection method: clinical testing. Allele origin: germline.
Comment: This sequence change replaces glutamine, which is neutral and polar, with leucine, which is neutral and non-polar, at codon 1704 of the CHD7 protein (p.Gln1704Leu). This variant is not present in population databases (gnomAD no frequency). This variant has not been reported in the literature in individuals affected with CHD7-related conditions. Invitae Evidence Modeling of protein sequence and biophysical properties (such as structural, functional, and spatial information, amino acid conservation, physicochemical variation, residue mobility, and thermodynamic stability) indicates that this missense variant is not expected to disrupt CHD7 protein function with a negative predictive value of 95%. In summary, the available evidence is currently insufficient to determine the role of this variant in disease. Therefore, it has been classified as a Variant of Uncertain Significance.